The following is an entry in ClinVar:

NM_001267550.2(TTN):c.39974-11T>G

Gene: TTN (titin; minus strand). Cytogenetic location: 2q31.2.
Variant type: single nucleotide variant.
Coding change: c.39974-11T>G on transcript NM_001267550.2 (MANE Select); 11 bases into the intron before coding-DNA position 39974, T replaced by G.
Molecular consequence: intron variant.
Genome position (GRCh38, 1-based): chr2:178,649,342, A>C on the plus strand (T>G on the coding strand, the complement: TTN is on the minus strand). VCF-style: chr2-178649342-A-C. GRCh37 (hg19) VCF-style: chr2-179514069-A-C.
Other names: c.13283-7025T>G (NM_003319.4); c.13859-7025T>G (NM_133437.4); c.13658-7025T>G (NM_133432.3); c.32593+475T>G (NM_133378.4); c.35374+475T>G (NM_001256850.1).
Identifiers: ClinVar variation 987382 (VCV000987382.51), dbSNP rs758597536, ClinGen allele CA60966163.

ClinVar aggregate classification (germline): Pathogenic/Likely pathogenic. Review status: criteria provided, multiple submitters, no conflicts (2 of 4 stars). 8 submissions from 8 submitters: Pathogenic (6); Likely pathogenic (1). 1 of the submissions does not count toward it. Last evaluated 2025-12-30.

Conditions:
TTN-related myopathy. Identifiers: MedGen CN294812, MONDO:0100175.
Dilated cardiomyopathy 1G (CMD1G). Identifiers: Orphanet 154, MedGen C1858763, MONDO:0011400, OMIM 604145.
Autosomal recessive limb-girdle muscular dystrophy type 2J (LGMDR10). Also called: MUSCULAR DYSTROPHY, LIMB-GIRDLE, AUTOSOMAL RECESSIVE 10; Limb-girdle muscular dystrophy, type 2J. Identifiers: Orphanet 140922, MedGen C1837342, MONDO:0012127, OMIM 608807.
TTN-related disorder. Also called: TTN-related condition; TTN-related disease; TTN-related disorders.
Hypertrophic cardiomyopathy 9. Also called: Familial hypertrophic cardiomyopathy 9. Identifiers: MedGen C1861065, MONDO:0013412, OMIM 613765.
Tibial muscular dystrophy (TMD). Also called: Udd Distal Myopathy – Tibial Muscular Dystrophy; UDD MYOPATHY; Tibial muscular dystrophy, tardive. Identifiers: Orphanet 609, MedGen C1838244, MONDO:0010870, OMIM 600334.
Early-onset myopathy with fatal cardiomyopathy (CMYO5). Also called: CONGENITAL MYOPATHY 5 WITH CARDIOMYOPATHY; Salih Myopathy. Identifiers: Orphanet 289377, MedGen C2673677, MONDO:0012714, OMIM 611705. Disease mechanism: loss of function.
Myopathy, myofibrillar, 9, with early respiratory failure (MFM9). Also called: Myopathy, distal, with early respiratory failure, autosomal dominant; EDSTROM MYOPATHY; MYOPATHY, PROXIMAL, WITH EARLY RESPIRATORY MUSCLE INVOLVEMENT; Hereditary myopathy with early respiratory failure. Identifiers: Orphanet 178464, Orphanet 34521, MedGen C1863599, MONDO:0011362, OMIM 603689.

Allele frequency attached by ClinVar (database versions not stated): TOPMed 0.00003; gnomAD 0.00005 and 0.00006; gnomAD exomes 0.00005.
gnomAD v4.1: 71 of 1,429,120 alleles (0.005%); highest among the groups gnomAD compares: Non-Finnish European, 0.0062%; no homozygotes.

Submissions (8):

PreventionGenetics, part of Exact Sciences
Classification: Pathogenic for TTN-related condition. Last evaluated: 2025-12-30. Review status: criteria provided, single submitter. Criteria: ACMG Guidelines, 2015. Collection method: clinical testing. Allele origin: germline.
Comment: The TTN c.39974-11T>G variant is predicted to interfere with splicing. This variant has been reported in the compound heterozygous state with a second pathogenic TTN variant in eleven individuals from ten families with autosomal recessive arthrogryposis multiplex congenita and myopathy (Table S1, Bryen et al. 2020. PubMed ID: 31660661; Suppl. Table 2, Ravenscroft et al. 2020. PubMed ID: 33060286). Functional studies show this variant causes abnormal splicing, resulting in a frameshift, or an in-frame deletion of 28 amino-acids caused by a skip of exon 214 (Bryen et al. 2020. PubMed ID: 31660661). This variant is reported in 0.016% of alleles in individuals of African descent in gnomAD. Taken together, in the context of autosomal recessive TTN-related disorders, this variant is interpreted as pathogenic. However, RNAseq studies from heart tissue indicate this exon is not commonly included in TTN mRNA transcripts (PSI < 15%, Roberts et al. 2015. PubMed ID: 25589632) and is unlikely to be associated with dilated cardiomyopathy (DCM, Schafer et al. 2017. PubMed ID: 27869827). Therefore, in the context of autosomal dominant TTN-related disorders, this variant is interpreted as a variant of uncertain significance.

Labcorp Genetics (formerly Invitae), Labcorp
Classification: Pathogenic for Dilated cardiomyopathy 1G; Autosomal recessive limb-girdle muscular dystrophy type 2J. Last evaluated: 2025-10-13. Review status: criteria provided, single submitter. Criteria: Invitae Variant Classification Sherloc (09022015). Collection method: clinical testing. Allele origin: germline.
Comment: This sequence change falls in intron 212 of the TTN gene. It does not directly change the encoded amino acid sequence of the TTN protein. This variant is present in population databases (rs758597536, gnomAD 0.02%). This variant has been observed in individuals with autosomal recessive arthrogryposis multiplex congenita and myopathy (PMID: 31660661, 34740919). ClinVar contains an entry for this variant (Variation ID: 987382). Studies have shown that this variant is associated with altered splicing, resulting in a premature frameshift or an in-frame loss of exon 213 (also known as exon 214) (PMID: 31660661). This variant is located in the I band of TTN (PMID: 25589632). Truncating variants in this region have been reported in individuals affected with autosomal recessive centronuclear myopathy (PMID: 23975875, internal data). Truncating variants in this region have also been identified in individuals affected with autosomal dominant dilated cardiomyopathy and/or cardio-related conditions (PMID: 27869827, 32964742, internal data). For these reasons, this variant has been classified as Pathogenic.

CeGaT Center for Human Genetics Tuebingen
Classification: Pathogenic. Last evaluated: 2024-12-01. Review status: criteria provided, single submitter. Criteria: CeGaT Center For Human Genetics Tuebingen Variant Classification Criteria Version 2. Collection method: clinical testing. Allele origin: germline. Affected: yes. Observed: 2 variant alleles.
Comment: TTN: PM3:Very Strong, PP1:Strong, PM2, PP3, PP4, PS3:Supporting

Broad Center for Mendelian Genomics, Broad Institute of MIT and Harvard
Classification: Pathogenic for TTN-related myopathy. Last evaluated: 2023-05-02. Review status: criteria provided, single submitter. Criteria: ACMG Guidelines, 2015. Collection method: curation. Allele origin: germline. Inheritance: Autosomal recessive inheritance.
Comment: Trio exome analysis revealed that this variant was in trans with a likely pathogenic variant (ClinVar Variation ID: 577790). The c.39974-11T>G variant in TTN has been previously reported in eight unrelated individuals with titin-related myopathy (PMID: 31660661) but has been identified in 0.01% (4/41260) of non-Finnish European chromosomes by the Genome Aggregation Database (gnomAD; dbSNP ID: rs758597536). Although this variant has been seen in the general population in a heterozygous state, its frequency is low enough to be consistent with a recessive carrier frequency. This variant has also been reported in ClinVar (Variation ID:987382) and has been interpreted as pathogenic by Invitae, GeneDx, Institute of Medical Genetics and Applied Genomics, University Hospital T√ºbingen, and the CeGaT Center for Human Genetics Tuebingen. The eight unrelated affected individuals previously reported were compound heterozygotes that carried a reported pathogenic or likely pathogenic variant in trans (PMID: 31660661), which increases the likelihood that the c.39974-11T>G variant is pathogenic. RT-PCR and RNAseq analysis performed on skeletal muscle tissue from affected individuals shows altered splicing resulting in either use of a cryptic 3‚Ä≤ splice site that abnormally includes 10 nucleotides of intron 213, leading to a frameshift and premature termination or in-frame exon skipping of exon 214 leading to an in-frame deletion of 28 amino acids in one of the proline-glutamine-valine-lysine (PEVK) regions of the gene (PMID: 31660661). This variant is located in the 3‚Äô splice region. Computational tools do suggest an impact to splicing. However, this information is not predictive enough to determine pathogenicity. In summary, this variant meets criteria to be classified as pathogenic for autosomal recessive titin-related myopathy. ACMG/AMP Criteria applied: PM3_VeryStrong, PS3_Moderate, PM2_Supporting (Richards 2015).

GeneDx
Classification: Pathogenic. Last evaluated: 2022-03-07. Review status: criteria provided, single submitter. Criteria: GeneDx Variant Classification Process June 2021. Collection method: clinical testing. Allele origin: germline. Affected: yes.
Comment: Published mRNA functional studies demonstrate this variant results in two abnormally spliced transcripts (Bryen et al., 2019); In silico analysis supports a deleterious effect on splicing; This variant is associated with the following publications: (PMID: 31660661, 33977140)

Fulgent Genetics
Classification: Likely pathogenic for Tibial muscular dystrophy; Myopathy, myofibrillar, 9, with early respiratory failure; Dilated cardiomyopathy 1G; Autosomal recessive limb-girdle muscular dystrophy type 2J; Early-onset myopathy with fatal cardiomyopathy; Hypertrophic cardiomyopathy 9. Last evaluated: 2021-10-26. Review status: criteria provided, single submitter. Criteria: ACMG Guidelines, 2015. Collection method: clinical testing. Allele origin: unknown.

Institute of Medical Genetics and Applied Genomics, University Hospital Tübingen
Classification: Pathogenic. Last evaluated: 2020-10-23. Review status: criteria provided, single submitter. Criteria: ACMG Guidelines, 2015. Collection method: clinical testing. Allele origin: germline. Inheritance: Unknown mechanism. Affected: yes.

Undiagnosed Diseases Network, NIH
Classification: Pathogenic for Autosomal recessive limb-girdle muscular dystrophy type 2J. Last evaluated: 2024-06-05. Review status: no assertion criteria provided. Collection method: clinical testing. Allele origin: paternal. Affected: yes. Observed: 2 variant alleles, 2 compound heterozygotes. Clinical features observed: Decreased fetal movement (HP:0001558), Abnormal delivery (HP:0001787), Poor suck (HP:0002033), Caesarean section (HP:0011410), Primary Caesarian section (HP:0030363), Inguinal hernia (HP:0000023), Osteopenia (HP:0000938), Hypotonia (HP:0001252), Developmental dysplasia of the hip (HP:0001385), Dysphagia (HP:0002015), Gait disturbance (HP:0002355), Arthrogryposis multiplex congenita (HP:0002804), and 3 more. Study: Undiagnosed Diseases Network (NIH), UDN. Not counted in ClinVar's aggregate classification.

Literature cited by the submitters: PubMed 31660661 (cited by Labcorp Genetics (formerly Invitae), Labcorp and Broad Center for Mendelian Genomics, Broad Institute of MIT and Harvard); PubMed 34740919 (cited by Labcorp Genetics (formerly Invitae), Labcorp); PubMed 25589632 (cited by Labcorp Genetics (formerly Invitae), Labcorp); PubMed 23975875 (cited by Labcorp Genetics (formerly Invitae), Labcorp); PubMed 27869827 (cited by Labcorp Genetics (formerly Invitae), Labcorp); PubMed 32964742 (cited by Labcorp Genetics (formerly Invitae), Labcorp).